The following is an entry in ClinVar:

ClinVar aggregate classification (germline): Pathogenic. Review status: criteria provided, multiple submitters, no conflicts (2 of 4 stars). 7 submissions from 7 submitters: Pathogenic (5). 2 of the submissions do not count toward it. Last evaluated 2024-10-01.

Conditions:
Neuronal ceroid lipofuscinosis 11. Also called: GRN-Related Neuronal Ceroid-Lipofuscinosis. Identifiers: Orphanet 314629, Orphanet 79262, MedGen C3539123, MONDO:0013866, OMIM 614706.
GRN-related frontotemporal lobar degeneration with Tdp43 inclusions (FTD2). Also called: FRONTOTEMPORAL DEMENTIA WITH TDP43 INCLUSIONS, GRN-RELATED; GRN Frontotemporal Dementia; DEMENTIA, HEREDITARY DYSPHASIC DISINHIBITION; FRONTOTEMPORAL LOBAR DEGENERATION WITH UBIQUITIN-POSITIVE INCLUSIONS; FTLD-TDP, GRN-RELATED. Identifiers: Orphanet 100070, Orphanet 282, MedGen C1843792, MONDO:0011842, OMIM 607485. Disease mechanism: loss of function.

Allele frequency attached by ClinVar (database versions not stated): gnomAD exomes below 0.00001.

Submissions (7):

CeGaT Center for Human Genetics Tuebingen
Classification: Pathogenic. Last evaluated: 2024-10-01. Review status: criteria provided, single submitter. Criteria: CeGaT Center For Human Genetics Tuebingen Variant Classification Criteria Version 2. Collection method: clinical testing. Allele origin: germline. Affected: yes. Observed: 2 variant alleles.
Comment: GRN: PVS1, PM2, PS4:Moderate

Labcorp Genetics (formerly Invitae), Labcorp
Classification: Pathogenic for Neuronal ceroid lipofuscinosis 11; GRN-related frontotemporal lobar degeneration with Tdp43 inclusions. Last evaluated: 2024-03-23. Review status: criteria provided, single submitter. Criteria: Invitae Variant Classification Sherloc (09022015). Collection method: clinical testing. Allele origin: germline.
Comment: This sequence change creates a premature translational stop signal (p.Ser226Trpfs*28) in the GRN gene. It is expected to result in an absent or disrupted protein product. Loss-of-function variants in GRN are known to be pathogenic (PMID: 16862116, 16950801, 22608501). This variant is not present in population databases (gnomAD no frequency). This premature translational stop signal has been observed in individuals with frontotemporal dementia (PMID: 16950801, 17698705, 20142524, 21482928, 26791154). ClinVar contains an entry for this variant (Variation ID: 98246). For these reasons, this variant has been classified as Pathogenic.

Athena Diagnostics
Classification: Pathogenic. Last evaluated: 2021-12-30. Review status: criteria provided, single submitter. Criteria: Athena Diagnostics Criteria. Collection method: clinical testing. Allele origin: unknown.
Comment: This variant is expected to result in the loss of a functional protein. This variant has not been reported in large, multi-ethnic general populations. This variant has been identified in multiple unrelated individuals with clinical features associated with this gene.

Institute of Medical Genetics and Applied Genomics, University Hospital Tübingen
Classification: Pathogenic. Last evaluated: 2021-02-01. Review status: criteria provided, single submitter. Criteria: ACMG Guidelines, 2015. Collection method: clinical testing. Allele origin: germline. Inheritance: Autosomal dominant inheritance. Affected: yes.

Institute of Human Genetics Munich, TUM University Hospital
Classification: Pathogenic for GRN-related frontotemporal lobar degeneration with Tdp43 inclusions. Last evaluated: 2018-02-08. Review status: criteria provided, single submitter. Criteria: Classification criteria August 2017. Collection method: clinical testing. Allele origin: germline. Inheritance: Autosomal dominant inheritance. Affected: yes. Observed: 4 heterozygotes.

OMIM
Classification: Pathogenic for FRONTOTEMPORAL DEMENTIA 2. Last evaluated: 2007-09-11. Review status: no assertion criteria provided. Collection method: literature only. Allele origin: germline. Not counted in ClinVar's aggregate classification.

VIB  Department of Molecular Genetics, University of Antwerp
No classification provided. Review status: no classification provided. Collection method: not provided. Allele origin: unknown. Not counted in ClinVar's aggregate classification.

Literature cited by the submitters: PubMed 16862116 (cited by Labcorp Genetics (formerly Invitae), Labcorp); PubMed 16950801 (cited by Labcorp Genetics (formerly Invitae), Labcorp and Athena Diagnostics); PubMed 22608501 (cited by Labcorp Genetics (formerly Invitae), Labcorp); PubMed 17698705 (cited by Labcorp Genetics (formerly Invitae), Labcorp and Athena Diagnostics); PubMed 20142524 (cited by Labcorp Genetics (formerly Invitae), Labcorp and Athena Diagnostics); PubMed 21482928 (cited by Labcorp Genetics (formerly Invitae), Labcorp and Athena Diagnostics); PubMed 26791154 (cited by Labcorp Genetics (formerly Invitae), Labcorp and Athena Diagnostics); PubMed 21454553 (cited by Athena Diagnostics); PubMed 20087814 (cited by Athena Diagnostics); PubMed 17522386 (cited by Athena Diagnostics and OMIM); PubMed 18551524 (cited by Athena Diagnostics).

NM_002087.4(GRN):c.675_676del (p.Ser226fs)

Gene: GRN (granulin precursor; plus strand). Cytogenetic location: 17q21.31.
Variant type: Deletion.
Coding change: c.675_676del on transcript NM_002087.4 (MANE Select); coding-DNA positions 675 to 676, 2 bases deleted (CA; older notation c.675_676delCA).
Protein change: p.Ser226fs; shifts the reading frame from serine 226.
Molecular consequence: frameshift variant.
Genome position (GRCh38, 1-based): chr17:44,350,767-44,350,768, CA deleted. VCF-style (leftmost placement, unchanged base first): chr17-44350766-CCA-C. GRCh37 (hg19) VCF-style: chr17-42428134-CCA-C.
Other names: short protein forms S226fs.
Identifiers: ClinVar variation 98246 (VCV000098246.54), dbSNP rs63751085, ClinGen allele CA225522.